The following is an entry in ClinVar:

NM_020949.3(SLC7A14):c.418A>G (p.Ile140Val)

Genes: SLC7A14 (solute carrier family 7 member 14; minus strand), SLC7A14-AS1 (SLC7A14 antisense RNA 1; plus strand). Cytogenetic location: 3q26.2.
Variant type: single nucleotide variant.
Coding change: c.418A>G on transcript NM_020949.3 (MANE Select); coding-DNA position 418, A replaced by G.
Protein change: p.Ile140Val; replaces isoleucine 140 with valine.
Molecular consequence: missense variant.
Genome position (GRCh38, 1-based): chr3:170,501,232, T>C on the plus strand (A>G on the coding strand, the complement: SLC7A14 is on the minus strand). VCF-style: chr3-170501232-T-C. GRCh37 (hg19) VCF-style: chr3-170219021-T-C.
Other names: short protein forms I140V.
Identifiers: ClinVar variation 1407763 (VCV001407763.6), dbSNP rs778205851, ClinGen allele CA2701937.

ClinVar aggregate classification (germline): Uncertain significance (1 of 4 stars; one submission).

Allele frequency attached by ClinVar (database versions not stated): ExAC 0.00001; gnomAD 0.00001; TOPMed 0.00002.
gnomAD v4.1: 6 of 1,614,034 alleles (0.00037%); highest among the groups gnomAD compares: Admixed American, 0.01%; no homozygotes.

Submission:

Labcorp Genetics (formerly Invitae), Labcorp
Classification: Uncertain significance. Last evaluated: 2024-03-04. Review status: criteria provided, single submitter. Criteria: Invitae Variant Classification Sherloc (09022015). Collection method: clinical testing. Allele origin: germline.
Comment: This sequence change replaces isoleucine, which is neutral and non-polar, with valine, which is neutral and non-polar, at codon 140 of the SLC7A14 protein (p.Ile140Val). This variant is present in population databases (rs778205851, gnomAD 0.01%). This variant has not been reported in the literature in individuals affected with SLC7A14-related conditions. ClinVar contains an entry for this variant (Variation ID: 1407763). An algorithm developed to predict the effect of missense changes on protein structure and function (PolyPhen-2) suggests that this variant is likely to be tolerated. In summary, the available evidence is currently insufficient to determine the role of this variant in disease. Therefore, it has been classified as a Variant of Uncertain Significance.